The following is an entry in ClinVar:

NM_001349253.2(SCN11A):c.1095T>G (p.Tyr365Ter)

Gene: SCN11A (sodium voltage-gated channel alpha subunit 11; minus strand). Cytogenetic location: 3p22.2.
Variant type: single nucleotide variant.
Coding change: c.1095T>G on transcript NM_001349253.2 (MANE Select); coding-DNA position 1095, T replaced by G.
Protein change: p.Tyr365Ter; replaces tyrosine 365 with a stop codon.
Molecular consequence: nonsense.
Genome position (GRCh38, 1-based): chr3:38,910,072, A>C on the plus strand (T>G on the coding strand, the complement: SCN11A is on the minus strand). VCF-style: chr3-38910072-A-C. GRCh37 (hg19) VCF-style: chr3-38951563-A-C.
Other names: c.1095T>G, p.Tyr365Ter (NM_014139.3); short protein forms Y365*.
Identifiers: ClinVar variation 666915 (VCV000666915.4), dbSNP rs1440766335, ClinGen allele CA352168392.
Genomic context (GRCh38, chr3:38,910,072, plus strand): 5'-AGGAAAAGGATGGAGGGAGGGAGAGAGGAAAAAGAGAGACTATAAATAGATAACCTGTTG[A>C]TAAAGCTTCTCCCAGGAATCTTGGGTCATCAGCCGGAACATGGCAAGAAAAGACCAGCCA-3'

ClinVar aggregate classification (germline): Uncertain significance (1 of 4 stars; one submission).

Allele frequency attached by ClinVar (database versions not stated): gnomAD exomes below 0.00001; TOPMed below 0.00001; gnomAD 0.00001.
gnomAD v4.1: 2 of 1,613,740 alleles (0.00012%); highest among the groups gnomAD compares: Non-Finnish European, 0.00017%; no homozygotes.

Submission:

Laboratory for Molecular Medicine, Mass General Brigham Personalized Medicine
Classification: Uncertain significance. Last evaluated: 2018-07-18. Review status: criteria provided, single submitter. Criteria: LMM Criteria. Collection method: clinical testing. Allele origin: germline. Observed: 1 variant allele.
Comment: The p.Tyr365X variant in SCN11A has not been previously reported in individuals/ any other families with disease and has been identified in 0.007% (1/15010) of E uropean chromosomes by the Genome Aggregation Database (gnomAD). This nonsense variant leads to a premature termination codon at position 365, which is predicted to lead to a truncated or absent protein. Cu rrently, heterozygous gain of function of the SCN11A gene is an established dise ase mechanism in sensory and autonomic neuropathy or episodic pain syndrome but it is uncertain whether heterozygous loss of function of the SCN11A gene also co ntributes to either of these disorders (or other disease). In summary, the clini cal significance of the p.Tyr365X variant is uncertain. ACMG/AMP Criteria applie d: PM2, PVS1_Supporting